The following is an entry in ClinVar:

NM_001048174.2(MUTYH):c.302C>T (p.Ala101Val)

Gene: MUTYH (mutY DNA glycosylase; minus strand). Cytogenetic location: 1p34.1.
Variant type: single nucleotide variant.
Coding change: c.302C>T on transcript NM_001048174.2 (MANE Select); coding-DNA position 302, C replaced by T.
Protein change: p.Ala101Val; replaces alanine 101 with valine.
Molecular consequence: missense variant. On other transcripts: synonymous variant (2), non-coding transcript variant (2).
Genome position (GRCh38, 1-based): chr1:45,333,287, G>A on the plus strand (C>T on the coding strand, the complement: MUTYH is on the minus strand). VCF-style: chr1-45333287-G-A. GRCh37 (hg19) VCF-style: chr1-45798959-G-A.
Other names: c.26C>T, p.Ala9Val (NM_001293196.2, NM_001293192.2); c.31C>T, p.Leu11= (NM_001350650.2, NM_001350651.2); c.377C>T, p.Ala126Val (NM_012222.3); c.386C>T, p.Ala129Val (NM_001128425.2); c.347C>T, p.Ala116Val (NM_001293190.2); c.335C>T, p.Ala112Val (NM_001293191.2); c.302C>T, p.Ala101Val (NM_001293195.2, NM_001048171.2, NM_001048173.2); c.305C>T, p.Ala102Val (NM_001048172.2); short protein forms A101V, A102V, A112V, A116V, A126V, A129V, A9V.
Identifiers: ClinVar variation 1018974 (VCV001018974.8), dbSNP rs1645310232, ClinGen allele CA340136231.
Genomic context (GRCh38, chr1:45,333,287, plus strand): 5'-GCCCCCAGACCCAAGGGCCTCGAGGCAAAGTGGCCCTGCTCTCAGGAGATGTACTGACCA[G>A]CATATGCCCGCCTGTCCAGGTCCATCTCATCTTCTGCCTGTCAATGCAACCCCAGATGAG-3'
Protein context (NP_001041639.1, residues 91-111): DEMDLDRRAY[Ala101Val]VWVSEVMLQQ

ClinVar aggregate classification (germline): Uncertain significance (1 of 4 stars; one submission).

Conditions:
Familial adenomatous polyposis 2. Also called: COLORECTAL ADENOMATOUS POLYPOSIS, AUTOSOMAL RECESSIVE; ADENOMAS, MULTIPLE COLORECTAL, AUTOSOMAL RECESSIVE; Adenomas, multiple colorectal; FAP type 2; MUTYH Polyposis; MUTYH-associated polyposis. Identifiers: Orphanet 220460, Orphanet 247798, MedGen C3272841, MONDO:0012041, OMIM 608456.

gnomAD v4.1: 1 of 1,614,212 alleles (0.000062%); highest among the groups gnomAD compares: Non-Finnish European, 0.000085%; no homozygotes.

Submission:

Labcorp Genetics (formerly Invitae), Labcorp
Classification: Uncertain significance for Familial adenomatous polyposis 2. Last evaluated: 2022-09-23. Review status: criteria provided, single submitter. Criteria: Invitae Variant Classification Sherloc (09022015). Collection method: clinical testing. Allele origin: germline.
Comment: In summary, the available evidence is currently insufficient to determine the role of this variant in disease. Therefore, it has been classified as a Variant of Uncertain Significance. This sequence change replaces alanine, which is neutral and non-polar, with valine, which is neutral and non-polar, at codon 129 of the MUTYH protein (p.Ala129Val). This variant is not present in population databases (gnomAD no frequency). This variant has not been reported in the literature in individuals affected with MUTYH-related conditions. ClinVar contains an entry for this variant (Variation ID: 1018974). Algorithms developed to predict the effect of missense changes on protein structure and function are either unavailable or do not agree on the potential impact of this missense change (SIFT: "Deleterious"; PolyPhen-2: "Probably Damaging"; Align-GVGD: "Class C0").